The following is an entry in ClinVar:

ClinVar aggregate classification (germline): Uncertain significance. Review status: criteria provided, multiple submitters, no conflicts (2 of 4 stars). 2 submissions from 2 submitters: Uncertain significance (2). Last evaluated 2024-08-22.

Conditions:
Familial meningioma. Also called: Meningioma, familial, susceptibility to. Identifiers: Orphanet 263662, MedGen C3551915, MONDO:0011789, OMIM 607174.
Hereditary cancer-predisposing syndrome. Also called: Tumor predisposition; Hereditary neoplastic syndrome; Neoplastic Syndromes, Hereditary; Hereditary Cancer Syndrome. Identifiers: Orphanet 140162, MedGen C0027672, MeSH D009386, MONDO:0015356.

Allele frequency attached by ClinVar (database versions not stated): TOPMed below 0.00001; gnomAD 0.00001.
gnomAD v4.1: 1 of 1,612,968 alleles (0.000062%); highest among the groups gnomAD compares: Non-Finnish European, 0.000085%; no homozygotes.

Submissions (2):

Ambry Genetics
Classification: Uncertain significance for Hereditary cancer-predisposing syndrome. Last evaluated: 2024-08-22. Review status: criteria provided, single submitter. Criteria: Ambry Variant Classification Scheme 2023. Collection method: clinical testing. Allele origin: germline.
Comment: The p.T58M variant (also known as c.173C>T), located in coding exon 4 of the SMARCE1 gene, results from a C to T substitution at nucleotide position 173. The threonine at codon 58 is replaced by methionine, an amino acid with similar properties. This amino acid position is well conserved in available vertebrate species. In addition, the in silico prediction for this alteration is inconclusive. Based on the available evidence, the clinical significance of this variant remains unclear.

Labcorp Genetics (formerly Invitae), Labcorp
Classification: Uncertain significance for Familial meningioma. Last evaluated: 2022-11-08. Review status: criteria provided, single submitter. Criteria: Invitae Variant Classification Sherloc (09022015). Collection method: clinical testing. Allele origin: germline.
Comment: This variant is not present in population databases (gnomAD no frequency). This sequence change replaces threonine, which is neutral and polar, with methionine, which is neutral and non-polar, at codon 58 of the SMARCE1 protein (p.Thr58Met). This variant has not been reported in the literature in individuals affected with SMARCE1-related conditions. In summary, the available evidence is currently insufficient to determine the role of this variant in disease. Therefore, it has been classified as a Variant of Uncertain Significance. Advanced modeling of protein sequence and biophysical properties (such as structural, functional, and spatial information, amino acid conservation, physicochemical variation, residue mobility, and thermodynamic stability) performed at Invitae indicates that this missense variant is not expected to disrupt SMARCE1 protein function. ClinVar contains an entry for this variant (Variation ID: 846104).

NM_003079.5(SMARCE1):c.173C>T (p.Thr58Met)

Gene: SMARCE1 (SWI/SNF related BAF chromatin remodeling complex subunit E1; minus strand). Cytogenetic location: 17q21.2.
Variant type: single nucleotide variant.
Coding change: c.173C>T on transcript NM_003079.5 (MANE Select); coding-DNA position 173, C replaced by T.
Protein change: p.Thr58Met; replaces threonine 58 with methionine.
Molecular consequence: missense variant.
Genome position (GRCh38, 1-based): chr17:40,637,556, G>A on the plus strand (C>T on the coding strand, the complement: SMARCE1 is on the minus strand). VCF-style: chr17-40637556-G-A. GRCh37 (hg19) VCF-style: chr17-38793808-G-A.
Other names: short protein forms T58M.
Identifiers: ClinVar variation 846104 (VCV000846104.10), dbSNP rs1353575590, ClinGen allele CA399367972.